The following is an entry in ClinVar:

ClinVar aggregate classification (germline): Likely pathogenic (1 of 4 stars; one submission).

Submission:

GeneDx
Classification: Likely pathogenic. Last evaluated: 2023-10-31. Review status: criteria provided, single submitter. Criteria: GeneDx Variant Classification Process June 2021. Collection method: clinical testing. Allele origin: germline. Affected: yes.
Comment: Intronic +5 splice site variant in a gene for which loss-of-function is a known mechanism of disease, and splice predictors support a deleterious effect; Not observed at a significant frequency in large population cohorts (gnomAD); Has not been previously published as pathogenic or benign to our knowledge

NM_053274.3(GLMN):c.923+2dup

Gene: GLMN (glomulin, FKBP associated protein; minus strand). Cytogenetic location: 1p22.1.
Variant type: Duplication.
Coding change: c.923+2dup on transcript NM_053274.3 (MANE Select); the canonical splice donor site of the intron after coding-DNA position 923, one base duplicated (T; older notation c.923+2dupT).
Molecular consequence: splice donor variant.
Genome position (GRCh38, 1-based): chr1:92,271,463, A duplicated on the plus strand (T on the coding strand, the reverse complement: GLMN is on the minus strand). VCF-style (leftmost placement, unchanged base first): chr1-92271462-T-TA. GRCh37 (hg19) VCF-style: chr1-92737019-T-TA.
Other names: c.923+2dup (NM_001319683.2).
Identifiers: ClinVar variation 3340816 (VCV003340816.1).
Genomic context (GRCh38, chr1:92,271,462, plus strand): 5'-ATAAATGAGAATTTTATGAAATTCCTTTTAGAATACATGAATAAACCAAACACTAACTCT[T>TA]ACCTTAAGACCATTGGAAGCTGATCAATATGGATGCCCTGTACAAATACTAGATATGCCA-3'